The following is an entry in ClinVar:

ClinVar aggregate classification (germline): Uncertain significance (1 of 4 stars; one submission).

Conditions:
Hereditary cancer-predisposing syndrome. Also called: Hereditary Cancer Syndrome; Neoplastic Syndromes, Hereditary; Tumor predisposition; Hereditary neoplastic syndrome. Identifiers: Orphanet 140162, MedGen C0027672, MeSH D009386, MONDO:0015356.

gnomAD v4.1: 1 of 1,614,162 alleles (0.000062%); highest among the groups gnomAD compares: Non-Finnish European, 0.000085%; no homozygotes.

Submission:

Ambry Genetics
Classification: Uncertain significance for Hereditary cancer-predisposing syndrome. Last evaluated: 2026-07-08. Review status: criteria provided, single submitter. Criteria: Ambry Variant Classification Scheme 2023. Collection method: clinical testing. Allele origin: germline.
Comment: The p.S810R variant (also known as c.2430C>A), located in coding exon 14 of the ALK gene, results from a C to A substitution at nucleotide position 2430. The serine at codon 810 is replaced by arginine, an amino acid with dissimilar properties. This amino acid position is conserved. In addition, the in silico prediction for this alteration is inconclusive. Based on the available evidence, the clinical significance of this variant remains unclear.

NM_004304.5(ALK):c.2430C>A (p.Ser810Arg)

Gene: ALK (ALK receptor tyrosine kinase; minus strand). Cytogenetic location: 2p23.2.
Variant type: single nucleotide variant.
Coding change: c.2430C>A on transcript NM_004304.5 (MANE Select); coding-DNA position 2430, C replaced by A.
Protein change: p.Ser810Arg; replaces serine 810 with arginine.
Molecular consequence: missense variant.
Genome position (GRCh38, 1-based): chr2:29,233,622, G>T on the plus strand (C>A on the coding strand, the complement: ALK is on the minus strand). VCF-style: chr2-29233622-G-T. GRCh37 (hg19) VCF-style: chr2-29456488-G-T.
Other names: short protein forms S810R.
Identifiers: ClinVar variation 5035201 (VCV005035201.1).
Genomic context (GRCh38, chr2:29,233,622, plus strand): 5'-TACCTTAAATACGTAGGTGGCTCCACCCCCTCCTCCTCCGCCTCCTGCCCACTCATGCAC[G>T]CTTCTGTTCACACGGATTTCTTCTTCTATCACATTGTTCTCTCCAATGCAGACTTTCTGG-3'
Protein context (NP_004295.2, residues 800-820): VIEEEIRVNR[Ser810Arg]VHEWAGGGGG